The following is an entry in ClinVar:

ClinVar aggregate classification (germline): Uncertain significance (1 of 4 stars; one submission).

Conditions:
Hereditary cancer-predisposing syndrome. Also called: Hereditary neoplastic syndrome; Hereditary Cancer Syndrome; Neoplastic Syndromes, Hereditary; Tumor predisposition. Identifiers: Orphanet 140162, MedGen C0027672, MeSH D009386, MONDO:0015356.

Submission:

Ambry Genetics
Classification: Uncertain significance for Hereditary cancer-predisposing syndrome. Last evaluated: 2023-05-14. Review status: criteria provided, single submitter. Criteria: Ambry Variant Classification Scheme 2023. Collection method: clinical testing. Allele origin: germline.
Comment: The p.E108D variant (also known as c.324A>C), located in coding exon 2 of the PDGFRA gene, results from an A to C substitution at nucleotide position 324. The glutamic acid at codon 108 is replaced by aspartic acid, an amino acid with highly similar properties. This amino acid position is conserved. In addition, this alteration is predicted to be tolerated by in silico analysis. Since supporting evidence is limited at this time, the clinical significance of this alteration remains unclear.

NM_006206.6(PDGFRA):c.324A>C (p.Glu108Asp)

Gene: PDGFRA (platelet derived growth factor receptor alpha; plus strand). Cytogenetic location: 4q12.
Variant type: single nucleotide variant.
Coding change: c.324A>C on transcript NM_006206.6 (MANE Select); coding-DNA position 324, A replaced by C.
Protein change: p.Glu108Asp; replaces glutamic acid 108 with aspartic acid.
Molecular consequence: missense variant.
Genome position (GRCh38, 1-based): chr4:54,261,369, A>C. VCF-style: chr4-54261369-A-C. GRCh37 (hg19) VCF-style: chr4-55127536-A-C.
Other names: c.324A>C, p.Glu108Asp (NM_001347827.2, NM_001347829.2); c.399A>C, p.Glu133Asp (NM_001347828.2); c.363A>C, p.Glu121Asp (NM_001347830.2); short protein forms E108D, E121D, E133D.
Identifiers: ClinVar variation 2568087 (VCV002568087.2), dbSNP rs2475423628, ClinGen allele CA356888953.